The following is an entry in ClinVar:

NM_001148.6(ANK2):c.575G>A (p.Arg192Lys)

Gene: ANK2 (ankyrin 2; plus strand). Cytogenetic location: 4q26.
Variant type: single nucleotide variant.
Coding change: c.575G>A on transcript NM_001148.6 (MANE Select); coding-DNA position 575, G replaced by A.
Protein change: p.Arg192Lys; replaces arginine 192 with lysine.
Molecular consequence: missense variant.
Genome position (GRCh38, 1-based): chr4:113,237,078, G>A. VCF-style: chr4-113237078-G-A. GRCh37 (hg19) VCF-style: chr4-114158234-G-A.
Other names: c.512G>A, p.Arg171Lys (NM_001127493.3, NM_001354239.2, NM_001354243.2 and 33 more transcripts); c.575G>A, p.Arg192Lys (NM_001354225.2, NM_001354228.2, NM_001354232.2 and 9 more transcripts); c.620G>A, p.Arg207Lys (NM_001354230.2, NM_001354231.2, NM_001354237.2 and 5 more transcripts); c.557G>A, p.Arg186Lys (NM_001354261.2, NM_001386147.1, NM_001386160.1); c.563G>A, p.Arg188Lys (NM_001354269.3, NM_001386148.2, NM_001386186.2 and 1 more transcripts); c.626G>A, p.Arg209Lys (NM_001386174.1, NM_001386175.1); short protein forms R192K, R209K, R207K, R186K, R188K, R171K.
Identifiers: ClinVar variation 2450636 (VCV002450636.3), dbSNP rs2490387153, ClinGen allele CA357916505.
Genomic context (GRCh38, chr4:113,237,078, plus strand): 5'-AGCAAGGACACAACCAGGCGGTGGCCATCCTCTTGGAGAATGACACCAAAGGGAAAGTGA[G>A]GCTGCCAGCTCTGCATATTGCCGCTAGGAAAGACGACACCAAATCTGCCGCACTTCTGCT-3'
Protein context (NP_001139.3, residues 182-202): LLENDTKGKV[Arg192Lys]LPALHIAARK

ClinVar aggregate classification (germline): Uncertain significance (1 of 4 stars; one submission).

Conditions:
Cardiovascular phenotype. Identifiers: MedGen CN230736.

Submission:

Ambry Genetics
Classification: Uncertain significance for Cardiovascular phenotype. Last evaluated: 2025-04-03. Review status: criteria provided, single submitter. Criteria: Ambry Variant Classification Scheme 2023. Collection method: clinical testing. Allele origin: germline.
Comment: The p.R192K variant (also known as c.575G>A), located in coding exon 6 of the ANK2 gene, results from a G to A substitution at nucleotide position 575. The arginine at codon 192 is replaced by lysine, an amino acid with highly similar properties. This amino acid position is highly conserved in available vertebrate species. In addition, the in silico prediction for this alteration is inconclusive. Based on the available evidence, the clinical significance of this variant remains unclear.